The following is an entry in ClinVar:

NM_001366722.1(GRIP1):c.873-3T>C

Gene: GRIP1 (glutamate receptor interacting protein 1; minus strand). Cytogenetic location: 12q14.3.
Variant type: single nucleotide variant.
Coding change: c.873-3T>C on transcript NM_001366722.1 (MANE Select); 3 bases into the intron before coding-DNA position 873, T replaced by C.
Molecular consequence: intron variant.
Genome position (GRCh38, 1-based): chr12:66,463,096, A>G on the plus strand (T>C on the coding strand, the complement: GRIP1 is on the minus strand). VCF-style: chr12-66463096-A-G. GRCh37 (hg19) VCF-style: chr12-66856876-A-G.
Other names: c.873-3T>C (NM_021150.3, NM_001178074.2, NM_021150.4 and 1 more transcripts); c.876-3T>C (NM_001379351.1, NM_001379349.1); c.951-3T>C (NM_001379348.1, NM_001366723.1, NM_001379347.1 and 2 more transcripts).
Identifiers: ClinVar variation 2899184 (VCV002899184.6), dbSNP rs573831060, ClinGen allele CA6674499.

ClinVar aggregate classification (germline): Likely benign. Review status: criteria provided, multiple submitters, no conflicts (2 of 4 stars). 3 submissions from 3 submitters: Likely benign (2). 1 of the submissions does not count toward it. Last evaluated 2024-09-28.

Conditions:
GRIP1-related disorder. Also called: GRIP1-related condition.

Allele frequency attached by ClinVar (database versions not stated): TOPMed 0.00001; gnomAD 0.00004; gnomAD exomes 0.00007; ExAC 0.00024; 1000 Genomes Project 30x 0.00047; 1000 Genomes Project 0.00060.
gnomAD v4.1: 116 of 1,613,400 alleles (0.0072%); highest among the groups gnomAD compares: South Asian, 0.11%; no homozygotes.

Submissions (3):

Labcorp Genetics (formerly Invitae), Labcorp
Classification: Likely benign. Last evaluated: 2024-09-28. Review status: criteria provided, single submitter. Criteria: Invitae Variant Classification Sherloc (09022015). Collection method: clinical testing. Allele origin: germline.

Blueprint Genetics
Classification: Likely benign. Last evaluated: 2024-08-19. Review status: criteria provided, single submitter. Criteria: ACMG Guidelines, 2015. Collection method: clinical testing. Allele origin: germline.

PreventionGenetics, part of Exact Sciences
Classification: Likely benign for GRIP1-related condition. Last evaluated: 2019-07-01. Review status: no assertion criteria provided. Collection method: clinical testing. Allele origin: germline. Not counted in ClinVar's aggregate classification.
Comment: This variant is classified as likely benign based on ACMG/AMP sequence variant interpretation guidelines (Richards et al. 2015 PMID: 25741868, with internal and published modifications).